The following is an entry in ClinVar:

ClinVar aggregate classification (germline): Uncertain significance (1 of 4 stars; one submission).

Allele frequency attached by ClinVar (database versions not stated): gnomAD exomes 0.00002; TOPMed 0.00002; ExAC 0.00004; gnomAD 0.00004.
gnomAD v4.1: 39 of 1,614,006 alleles (0.0024%); highest among the groups gnomAD compares: Non-Finnish European, 0.0032%; no homozygotes.

Submission:

Labcorp Genetics (formerly Invitae), Labcorp
Classification: Uncertain significance. Last evaluated: 2022-01-02. Review status: criteria provided, single submitter. Criteria: Invitae Variant Classification Sherloc (09022015). Collection method: clinical testing. Allele origin: germline.
Comment: In summary, the available evidence is currently insufficient to determine the role of this variant in disease. Therefore, it has been classified as a Variant of Uncertain Significance. Advanced modeling of protein sequence and biophysical properties (such as structural, functional, and spatial information, amino acid conservation, physicochemical variation, residue mobility, and thermodynamic stability) performed at Invitae indicates that this missense variant is not expected to disrupt EIF2AK4 protein function. This variant has not been reported in the literature in individuals affected with EIF2AK4-related conditions. This variant is present in population databases (rs765833659, gnomAD 0.007%). This sequence change replaces arginine, which is basic and polar, with glutamine, which is neutral and polar, at codon 830 of the EIF2AK4 protein (p.Arg830Gln).

NM_001013703.4(EIF2AK4):c.2489G>A (p.Arg830Gln)

Gene: EIF2AK4 (eukaryotic translation initiation factor 2 alpha kinase 4; plus strand). Cytogenetic location: 15q15.1.
Variant type: single nucleotide variant.
Coding change: c.2489G>A on transcript NM_001013703.4 (MANE Select); coding-DNA position 2489, G replaced by A.
Protein change: p.Arg830Gln; replaces arginine 830 with glutamine.
Molecular consequence: missense variant.
Genome position (GRCh38, 1-based): chr15:39,988,068, G>A. VCF-style: chr15-39988068-G-A. GRCh37 (hg19) VCF-style: chr15-40280269-G-A.
Other names: short protein forms R830Q.
Identifiers: ClinVar variation 1932412 (VCV001932412.5), dbSNP rs765833659, ClinGen allele CA7474056.
Genomic context (GRCh38, chr15:39,988,068, plus strand): 5'-TACGAGACACCATTGACCAGGGACTGTATCGAGACACCGTCAGACTCTGGAGGCTTTTTC[G>A]AGAGATTCTGGATGGATTAGCTTATATCCATGAGAAAGTAAACTTTACAACATTTCATAT-3'
Protein context (NP_001013725.2, residues 820-840): RDTVRLWRLF[Arg830Gln]EILDGLAYIH